The following is an entry in ClinVar:

ClinVar aggregate classification (germline): Likely benign. Review status: criteria provided, multiple submitters, no conflicts (2 of 4 stars). 2 submissions from 2 submitters: Likely benign (2). Last evaluated 2023-12-09.

Allele frequency attached by ClinVar (database versions not stated): ExAC 0.00001.

Submissions (2):

Labcorp Genetics (formerly Invitae), Labcorp
Classification: Likely benign. Last evaluated: 2023-12-09. Review status: criteria provided, single submitter. Criteria: Invitae Variant Classification Sherloc (09022015). Collection method: clinical testing. Allele origin: germline.

GeneDx
Classification: Likely benign. Last evaluated: 2017-09-20. Review status: criteria provided, single submitter. Criteria: GeneDx Variant Classification (06012015). Collection method: clinical testing. Allele origin: germline. Affected: yes.
Comment: This variant is considered likely benign or benign based on one or more of the following criteria: it is a conservative change, it occurs at a poorly conserved position in the protein, it is predicted to be benign by multiple in silico algorithms, and/or has population frequency not consistent with disease.

NM_018699.4(PRDM5):c.1282+16G>A

Gene: PRDM5 (PR/SET domain 5; minus strand). Cytogenetic location: 4q27.
Variant type: single nucleotide variant.
Coding change: c.1282+16G>A on transcript NM_018699.4 (MANE Select); 16 bases into the intron after coding-DNA position 1282, G replaced by A.
Molecular consequence: intron variant.
Genome position (GRCh38, 1-based): chr4:120,784,982, C>T on the plus strand (G>A on the coding strand, the complement: PRDM5 is on the minus strand). VCF-style: chr4-120784982-C-T. GRCh37 (hg19) VCF-style: chr4-121706137-C-T.
Other names: c.1189+16G>A (NM_001300824.2, NM_001379106.1, NM_001300823.2); c.1315+16G>A (NM_001379104.1).
Identifiers: ClinVar variation 512198 (VCV000512198.4), dbSNP rs776670103, ClinGen allele CA3061095.
Genomic context (GRCh38, chr4:120,784,982, plus strand): 5'-TCTACATTCTCAAAGGTTATAAAAACAAAGTATGAGATAATTCCTTATATTCTCAACTGC[C>T]TGAATCGTGACTTACTGTTATGTATTAGCAGGTGTCTCTGTAAAGAAAATGGGGTCCGGA-3'